The following is an entry in ClinVar:

NM_001754.5(RUNX1):c.58+264C>T

Genes: RUNX1 (RUNX family transcription factor 1; minus strand), LOC130066606 (ATAC-STARR-seq lymphoblastoid active region 18416; plus strand). Cytogenetic location: 21q22.12.
Variant type: single nucleotide variant.
Coding change: c.58+264C>T on transcript NM_001754.5 (MANE Select); 264 bases into the intron after coding-DNA position 58, C replaced by T.
Molecular consequence: intron variant.
Genome position (GRCh38, 1-based): chr21:35,048,578, G>A on the plus strand (C>T on the coding strand, the complement: RUNX1 is on the minus strand). VCF-style: chr21-35048578-G-A. GRCh37 (hg19) VCF-style: chr21-36420875-G-A.
Other names: NC_000021.8:g.36420875G>A.
Identifiers: ClinVar variation 1250489 (VCV001250489.5), dbSNP rs9981811, ClinGen allele CA320741202.

ClinVar aggregate classification (germline): Benign. Review status: reviewed by expert panel (3 of 4 stars). 3 submissions from 3 submitters: Benign (1). 2 of the submissions do not count toward it. Last evaluated 2024-09-10.

Conditions:
Hereditary thrombocytopenia and hematologic cancer predisposition syndrome. Identifiers: Orphanet 71290, MedGen CN281654, MONDO:0011071.

Allele frequency attached by ClinVar (database versions not stated): 1000 Genomes Project 30x 0.04497; 1000 Genomes Project 0.04513; gnomAD 0.06805 and 0.07034; TOPMed 0.06903.
gnomAD v4.1: 10,418 of 152,212 alleles (6.8%); highest among the groups gnomAD compares: Middle Eastern, 10%; 342 homozygotes.

Submissions (14):

ClinGen Myeloid Malignancy Variant Curation Expert Panel
Classification: Benign for Hereditary thrombocytopenia and hematologic cancer predisposition syndrome. Last evaluated: 2024-09-10. Review status: reviewed by expert panel. Criteria: ClinGen MyeloMalig ACMG Specifications v2. Collection method: curation. Allele origin: germline. Inheritance: Autosomal dominant inheritance.
Comment: NM_001754.5(RUNX1):c.58+264C>T is an intronic variant with a MAF of 0.08337(8.337%, 1286/15426,) in the European subpopulation of gnomAD cohort is ≥ 0.0015 (0.15%) (BA1). This variant is observed in 70 homozygotes in a population database (gnomAD) (BP2). This variant has a SpliceAI score ≤ 0.20 (Donor Loss 0.05) (BP4). Evolutionary conservation algorithms predict the site as not being conserved (PhyloP score -1.17 < 2.0 or the variant is the reference nucleotide in one primate (Rhesus) (BP7). In summary, this variant meets criteria to be classified as benign. ACMG/AMP criteria applied, as specified by the Myeloid Malignancy Variant Curation Expert Panel for RUNX1: BA1, BP2, BP4, BP7.

GeneDx
Classification: Benign. Last evaluated: 2018-11-10. Review status: criteria provided, single submitter. Criteria: GeneDx Variant Classification Process June 2021. Collection method: clinical testing. Allele origin: germline. Affected: yes. Not counted in ClinVar's aggregate classification.

Breakthrough Genomics
Classification: Benign. Review status: criteria provided, single submitter. Criteria: ACMG Guidelines, 2015. Collection method: not provided. Allele origin: germline. Inheritance: Autosomal dominant inheritance. Affected: yes. Not counted in ClinVar's aggregate classification.

Dr. Peter K. Rogan Lab, Western University
No classification provided (evidence only). Condition: Lung cancer. Review status: no classification provided. Collection method: in vitro. Allele origin: not applicable. Functional consequence: retained intron. Not counted in ClinVar's aggregate classification.

Dr. Peter K. Rogan Lab, Western University
No classification provided (evidence only). Condition: Acute myeloid leukemia. Review status: no classification provided. Collection method: in vitro. Allele origin: not applicable. Functional consequence: retained intron. Not counted in ClinVar's aggregate classification.

Dr. Peter K. Rogan Lab, Western University
No classification provided (evidence only). Condition: Acute myeloid leukemia. Review status: no classification provided. Collection method: in vitro. Allele origin: not applicable. Functional consequence: retained intron. Not counted in ClinVar's aggregate classification.

Dr. Peter K. Rogan Lab, Western University
No classification provided (evidence only). Condition: Acute myeloid leukemia. Review status: no classification provided. Collection method: in vitro. Allele origin: not applicable. Functional consequence: retained intron. Not counted in ClinVar's aggregate classification.

Dr. Peter K. Rogan Lab, Western University
No classification provided (evidence only). Condition: Cervical cancer. Review status: no classification provided. Collection method: in vitro. Allele origin: not applicable. Functional consequence: retained intron. Not counted in ClinVar's aggregate classification.

Dr. Peter K. Rogan Lab, Western University
No classification provided (evidence only). Condition: Cervical cancer. Review status: no classification provided. Collection method: in vitro. Allele origin: not applicable. Functional consequence: retained intron. Not counted in ClinVar's aggregate classification.

Dr. Peter K. Rogan Lab, Western University
No classification provided (evidence only). Condition: Sarcoma. Review status: no classification provided. Collection method: in vitro. Allele origin: not applicable. Functional consequence: retained intron. Not counted in ClinVar's aggregate classification.

Dr. Peter K. Rogan Lab, Western University
No classification provided (evidence only). Condition: Sarcoma. Review status: no classification provided. Collection method: in vitro. Allele origin: not applicable. Functional consequence: retained intron. Not counted in ClinVar's aggregate classification.

Dr. Peter K. Rogan Lab, Western University
No classification provided (evidence only). Condition: Thymoma. Review status: no classification provided. Collection method: in vitro. Allele origin: not applicable. Functional consequence: retained intron. Not counted in ClinVar's aggregate classification.

Dr. Peter K. Rogan Lab, Western University
No classification provided (evidence only). Condition: Uterine carcinosarcoma. Review status: no classification provided. Collection method: in vitro. Allele origin: not applicable. Functional consequence: retained intron. Not counted in ClinVar's aggregate classification.

Dr. Peter K. Rogan Lab, Western University
No classification provided (evidence only). Condition: Malignant tumor of esophagus. Review status: no classification provided. Collection method: in vitro. Allele origin: not applicable. Functional consequence: retained intron. Not counted in ClinVar's aggregate classification.